The following is an entry in ClinVar:

NM_001385641.1(SAMD11):c.2249T>C (p.Met750Thr)

Gene: SAMD11 (sterile alpha motif domain containing 11; plus strand). Cytogenetic location: 1p36.33.
Variant type: single nucleotide variant.
Coding change: c.2249T>C on transcript NM_001385641.1 (MANE Select); coding-DNA position 2249, T replaced by C.
Protein change: p.Met750Thr; replaces methionine 750 with threonine.
Molecular consequence: missense variant.
Genome position (GRCh38, 1-based): chr1:943,768, T>C. VCF-style: chr1-943768-T-C. GRCh37 (hg19) VCF-style: chr1-879148-T-C.
Other names: c.2252T>C, p.Met751Thr (NM_001385640.1); c.1760T>C, p.Met587Thr (NM_152486.4); short protein forms M587T, M750T, M751T.
Identifiers: ClinVar variation 1471365 (VCV001471365.3), dbSNP rs1387564087, ClinGen allele CA337816993.

ClinVar aggregate classification (germline): Uncertain significance (1 of 4 stars; one submission).

Allele frequency attached by ClinVar (database versions not stated): gnomAD exomes below 0.00001; TOPMed below 0.00001; gnomAD 0.00001.
gnomAD v4.1: 6 of 1,611,118 alleles (0.00037%); highest among the groups gnomAD compares: Non-Finnish European, 0.00051%; no homozygotes.

Submission:

Labcorp Genetics (formerly Invitae), Labcorp
Classification: Uncertain significance. Last evaluated: 2022-08-16. Review status: criteria provided, single submitter. Criteria: Invitae Variant Classification Sherloc (09022015). Collection method: clinical testing. Allele origin: germline.
Comment: This sequence change replaces methionine, which is neutral and non-polar, with threonine, which is neutral and polar, at codon 587 of the SAMD11 protein (p.Met587Thr). This variant is not present in population databases (gnomAD no frequency). This variant has not been reported in the literature in individuals affected with SAMD11-related conditions. ClinVar contains an entry for this variant (Variation ID: 1471365). Algorithms developed to predict the effect of missense changes on protein structure and function are either unavailable or do not agree on the potential impact of this missense change (SIFT: "Deleterious"; PolyPhen-2: "Probably Damaging"; Align-GVGD: "Class C0"). In summary, the available evidence is currently insufficient to determine the role of this variant in disease. Therefore, it has been classified as a Variant of Uncertain Significance.